The following is an entry in ClinVar:

NM_018896.5(CACNA1G):c.3840C>T (p.His1280=)

Gene: CACNA1G (calcium voltage-gated channel subunit alpha1 G; plus strand). Cytogenetic location: 17q21.33.
Variant type: single nucleotide variant.
Coding change: c.3840C>T on transcript NM_018896.5 (MANE Select); coding-DNA position 3840, C replaced by T.
Protein change: p.His1280=; no amino-acid change (histidine 1280 retained).
Molecular consequence: synonymous variant. On other transcripts: non-coding transcript variant (5).
Genome position (GRCh38, 1-based): chr17:50,601,099, C>T. VCF-style: chr17-50601099-C-T. GRCh37 (hg19) VCF-style: chr17-48678460-C-T.
Other names: c.3840C>T, p.His1280= (NM_001256324.2, NM_001256325.2, NM_001256326.2 and 16 more transcripts); c.3771C>T, p.His1257= (NM_001256332.2, NM_198376.3, NM_198379.3 and 5 more transcripts).
Identifiers: ClinVar variation 4874175 (VCV004874175.2).

ClinVar aggregate classification (germline): Likely benign (1 of 4 stars; one submission).

gnomAD v4.1: 44 of 1,613,810 alleles (0.0027%); highest among the groups gnomAD compares: East Asian, 0.016%; no homozygotes.

Submission:

CeGaT Center for Human Genetics Tuebingen
Classification: Likely benign. Last evaluated: 2026-06-01. Review status: criteria provided, single submitter. Criteria: CeGaT Center For Human Genetics Tuebingen Variant Classification Criteria Version 2. Collection method: clinical testing. Allele origin: germline. Affected: yes. Observed: 1 variant allele.
Comment: CACNA1G: BP4, BP7